The following is an entry in ClinVar:

ClinVar aggregate classification (germline): Uncertain significance. Review status: criteria provided, single submitter (1 of 4 stars). 2 submissions from 2 submitters: Uncertain significance (1). 1 of the submissions does not count toward it. Last evaluated 2024-08-20.

Conditions:
ATP11A-related disorder. Also called: ATP11A-related condition.
Inborn genetic diseases. Identifiers: MedGen C0950123, MeSH D030342.

Submissions (2):

Ambry Genetics
Classification: Uncertain significance for Inborn genetic diseases. Last evaluated: 2024-08-20. Review status: criteria provided, single submitter. Criteria: Ambry Variant Classification Scheme 2023. Collection method: clinical testing. Allele origin: germline.

PreventionGenetics, part of Exact Sciences
Classification: Likely benign for ATP11A-related condition. Last evaluated: 2024-07-29. Review status: no assertion criteria provided. Collection method: clinical testing. Allele origin: germline. Not counted in ClinVar's aggregate classification.
Comment: This variant is classified as likely benign based on ACMG/AMP sequence variant interpretation guidelines (Richards et al. 2015 PMID: 25741868, with internal and published modifications).

NM_015205.3(ATP11A):c.1913G>A (p.Arg638Gln)

Gene: ATP11A (ATPase phospholipid transporting 11A; plus strand). Cytogenetic location: 13q34.
Variant type: single nucleotide variant.
Coding change: c.1913G>A on transcript NM_015205.3 (MANE Select); coding-DNA position 1913, G replaced by A.
Protein change: p.Arg638Gln; replaces arginine 638 with glutamine.
Molecular consequence: missense variant.
Genome position (GRCh38, 1-based): chr13:112,851,140, G>A. VCF-style: chr13-112851140-G-A. GRCh37 (hg19) VCF-style: chr13-113505454-G-A.
Other names: c.1913G>A, p.Arg638Gln (NM_001405661.1, NM_001405662.1, NM_001405663.1 and 1 more transcripts); short protein forms R638Q.
Identifiers: ClinVar variation 3353256 (VCV003353256.2).